The following is an entry in ClinVar:

ClinVar aggregate classification (germline): Uncertain significance (1 of 4 stars; one submission).

Allele frequency attached by ClinVar (database versions not stated): gnomAD 0.00001.
gnomAD v4.1: 1 of 1,611,510 alleles (0.000062%); highest among the groups gnomAD compares: African/African-American, 0.0013%; no homozygotes.

Submission:

CeGaT Center for Human Genetics Tuebingen
Classification: Uncertain significance. Last evaluated: 2023-11-01. Review status: criteria provided, single submitter. Criteria: CeGaT Center For Human Genetics Tuebingen Variant Classification Criteria Version 2. Collection method: clinical testing. Allele origin: germline. Affected: yes. Observed: 1 variant allele.
Comment: FIG4: PM2, BP4

NM_014845.6(FIG4):c.711A>G (p.Ile237Met)

Gene: FIG4 (FIG4 phosphoinositide 5-phosphatase; plus strand). Cytogenetic location: 6q21.
Variant type: single nucleotide variant.
Coding change: c.711A>G on transcript NM_014845.6 (MANE Select); coding-DNA position 711, A replaced by G.
Protein change: p.Ile237Met; replaces isoleucine 237 with methionine.
Molecular consequence: missense variant.
Genome position (GRCh38, 1-based): chr6:109,738,389, A>G. VCF-style: chr6-109738389-A-G. GRCh37 (hg19) VCF-style: chr6-110059592-A-G.
Other names: short protein forms I237M.
Identifiers: ClinVar variation 2673074 (VCV002673074.23), dbSNP rs1344182553, ClinGen allele CA365220632.